The following is an entry in ClinVar:

NM_025136.4(OPA3):c.417G>C (p.Gln139His)

Genes: OPA3 (outer mitochondrial membrane lipid metabolism regulator OPA3; minus strand), OPA3-RTN2 (OPA3-RTN2 readthrough; minus strand). Cytogenetic location: 19q13.32.
Variant type: single nucleotide variant.
Coding change: c.417G>C on transcript NM_025136.4 (MANE Select); coding-DNA position 417, G replaced by C.
Protein change: p.Gln139His; replaces glutamine 139 with histidine.
Molecular consequence: missense variant. On other transcripts: intron variant (1).
Genome position (GRCh38, 1-based): chr19:45,553,637, C>G on the plus strand (G>C on the coding strand, the complement: OPA3 is on the minus strand). VCF-style: chr19-45553637-C-G. GRCh37 (hg19) VCF-style: chr19-46056895-C-G.
Other names: c.143-24181G>C (NM_001017989.3); short protein forms Q139H.
Identifiers: ClinVar variation 2166890 (VCV002166890.4), dbSNP rs2122438987, ClinGen allele CA406370073.

ClinVar aggregate classification (germline): Uncertain significance (1 of 4 stars; one submission).

Conditions:
Optic atrophy 3 (OPA3). Also called: OPTIC ATROPHY 3, AUTOSOMAL DOMINANT; Optic atrophy, cataract, and neurologic disorder; Optic atrophy 3 with cataract. Identifiers: Orphanet 67036, MedGen C1833809, MONDO:0008133, OMIM 165300.
3-Methylglutaconic aciduria type 3 (MGCA3). Also called: OPA3, AUTOSOMAL RECESSIVE; OPTIC ATROPHY 3, AUTOSOMAL RECESSIVE; OPA3-Related 3-Methylglutaconic Aciduria; Costeff Syndrome. Identifiers: Orphanet 67047, MedGen C0574084, MONDO:0009787, OMIM 258501.

Allele frequency attached by ClinVar (database versions not stated): gnomAD exomes below 0.00001.

Submission:

Labcorp Genetics (formerly Invitae), Labcorp
Classification: Uncertain significance for 3-Methylglutaconic aciduria type 3; Optic atrophy 3. Last evaluated: 2022-05-04. Review status: criteria provided, single submitter. Criteria: Invitae Variant Classification Sherloc (09022015). Collection method: clinical testing. Allele origin: germline.
Comment: This variant has not been reported in the literature in individuals affected with OPA3-related conditions. In summary, the available evidence is currently insufficient to determine the role of this variant in disease. Therefore, it has been classified as a Variant of Uncertain Significance. Algorithms developed to predict the effect of missense changes on protein structure and function are either unavailable or do not agree on the potential impact of this missense change (SIFT: "Deleterious"; PolyPhen-2: "Benign"; Align-GVGD: "Class C0"). This variant is not present in population databases (gnomAD no frequency). This sequence change replaces glutamine, which is neutral and polar, with histidine, which is basic and polar, at codon 139 of the OPA3 protein (p.Gln139His).